The following is an entry in ClinVar:

ClinVar aggregate classification (germline): Pathogenic (1 of 4 stars; one submission).

Submission:

Labcorp Genetics (formerly Invitae), Labcorp
Classification: Pathogenic. Last evaluated: 2024-01-24. Review status: criteria provided, single submitter. Criteria: Invitae Variant Classification Sherloc (09022015). Collection method: clinical testing. Allele origin: germline.
Comment: This sequence change creates a premature translational stop signal (p.Gly546Argfs*34) in the ZBTB20 gene. It is expected to result in an absent or disrupted protein product. Loss-of-function variants in ZBTB20 are known to be pathogenic (PMID: 32071410). This variant is not present in population databases (gnomAD no frequency). This premature translational stop signal has been observed in individual(s) with clinical features of Primrose syndrome (Invitae). ClinVar contains an entry for this variant (Variation ID: 2010903). For these reasons, this variant has been classified as Pathogenic.

Literature cited by the submitters: PubMed 32071410.

NM_001348800.3(ZBTB20):c.1635dup (p.Gly546fs)

Gene: ZBTB20 (zinc finger and BTB domain containing 20; minus strand). Cytogenetic location: 3q13.31.
Variant type: Duplication.
Coding change: c.1635dup on transcript NM_001348800.3 (MANE Select); coding-DNA position 1635, one base duplicated (C; older notation c.1635dupC).
Protein change: p.Gly546fs; shifts the reading frame from glycine 546.
Molecular consequence: frameshift variant.
Genome position (GRCh38, 1-based): chr3:114,350,443, G duplicated on the plus strand (C on the coding strand, the reverse complement: ZBTB20 is on the minus strand); the first of 3 consecutive G bases (chr3:114,350,443-114,350,445); duplicating any one gives the same sequence. VCF-style (leftmost placement, unchanged base first): chr3-114350442-C-CG. GRCh37 (hg19) VCF-style: chr3-114069289-C-CG.
Other names: c.1416dup, p.Gly473fs (NM_001348804.3, NM_001348805.3, NM_001393395.1 and 9 more transcripts); c.1635dup, p.Gly546fs (NM_001393393.1, NM_001393394.1, NM_001164342.2 and 1 more transcripts); short protein forms G473fs, G546fs.
Identifiers: ClinVar variation 2010903 (VCV002010903.4), dbSNP rs2550499967, ClinGen allele CA2580068583.
Genomic context (GRCh38, chr3:114,350,442, plus strand): 5'-GGCCTGCGGATGAGGCCAGGGGCTGTGGCGCTGGCAGCTGTGCAGTAAAGGTCGACAGAC[C>CG]GGGCTGGGACACTGTCACAAACTGGGTCTGCTGGCCTGCCAGGGGCTGTGGCAGGCTGAA-3'